The following is an entry in ClinVar:

ClinVar aggregate classification (germline): Uncertain significance. Review status: criteria provided, multiple submitters, no conflicts (2 of 4 stars). 2 submissions from 2 submitters: Uncertain significance (2). Last evaluated 2021-12-08.

Conditions:
Primary ciliary dyskinesia. Also called: Ciliary dyskinesia. Identifiers: Orphanet 244, MedGen C0008780, MONDO:0016575, HP:0012265.

Allele frequency attached by ClinVar (database versions not stated): gnomAD exomes below 0.00001; TOPMed below 0.00001.
gnomAD v4.1: 6 of 1,607,304 alleles (0.00037%); highest among the groups gnomAD compares: Non-Finnish European, 0.00051%; no homozygotes.

Submissions (2):

Ambry Genetics
Classification: Uncertain significance for Primary ciliary dyskinesia. Last evaluated: 2021-12-08. Review status: criteria provided, single submitter. Criteria: Ambry Variant Classification Scheme 2023. Collection method: clinical testing. Allele origin: germline.
Comment: The p.Q1690K variant (also known as c.5068C>A), located in coding exon 29 of the DNAH11 gene, results from a C to A substitution at nucleotide position 5068. The glutamine at codon 1690 is replaced by lysine, an amino acid with similar properties. This amino acid position is conserved. In addition, this alteration is predicted to be tolerated by in silico analysis. Since supporting evidence is limited at this time, the clinical significance of this alteration remains unclear.

Labcorp Genetics (formerly Invitae), Labcorp
Classification: Uncertain significance for Primary ciliary dyskinesia. Last evaluated: 2017-04-25. Review status: criteria provided, single submitter. Criteria: Invitae Variant Classification Sherloc (09022015). Collection method: clinical testing. Allele origin: germline.
Comment: In summary, this variant is a novel missense change that is not predicted to affect protein function. There is no indication that it causes disease, but the available evidence is currently insufficient to prove that conclusively. Therefore, it has been classified as a Variant of Uncertain Significance. Algorithms developed to predict the effect of missense changes on protein structure and function (SIFT, PolyPhen-2, Align-GVGD) all suggest that this variant is likely to be tolerated, but these predictions have not been confirmed by published functional studies. This variant is not present in population databases (ExAC no frequency) and has not been reported in the literature in individuals with a DNAH11-related disease. This sequence change replaces glutamine with lysine at codon 1690 of the DNAH11 protein (p.Gln1690Lys). The glutamine residue is moderately conserved and there is a small physicochemical difference between glutamine and lysine.

NM_001277115.2(DNAH11):c.5068C>A (p.Gln1690Lys)

Gene: DNAH11 (dynein axonemal heavy chain 11; plus strand). Cytogenetic location: 7p15.3.
Variant type: single nucleotide variant.
Coding change: c.5068C>A on transcript NM_001277115.2 (MANE Select); coding-DNA position 5068, C replaced by A.
Protein change: p.Gln1690Lys; replaces glutamine 1690 with lysine.
Molecular consequence: missense variant.
Genome position (GRCh38, 1-based): chr7:21,655,955, C>A. VCF-style: chr7-21655955-C-A. GRCh37 (hg19) VCF-style: chr7-21695573-C-A.
Other names: short protein forms Q1690K.
Identifiers: ClinVar variation 454679 (VCV000454679.9), dbSNP rs1254903583, ClinGen allele CA366938296.